The following is an entry in ClinVar:

NM_001287.6(CLCN7):c.142-1G>A

Gene: CLCN7 (Cl-/H+ antiporter 7; minus strand). Cytogenetic location: 16p13.3.
Variant type: single nucleotide variant.
Coding change: c.142-1G>A on transcript NM_001287.6 (MANE Select); the canonical splice acceptor site of the intron before coding-DNA position 142, G replaced by A.
Molecular consequence: splice acceptor variant. On other transcripts: intron variant (1).
Genome position (GRCh38, 1-based): chr16:1,465,339, C>T on the plus strand (G>A on the coding strand, the complement: CLCN7 is on the minus strand). VCF-style: chr16-1465339-C-T. GRCh37 (hg19) VCF-style: chr16-1515340-C-T.
Other names: c.142-3665G>A (NM_001114331.3).
Identifiers: ClinVar variation 3625245 (VCV003625245.2).

ClinVar aggregate classification (germline): Likely pathogenic (1 of 4 stars; one submission).

Submission:

Labcorp Genetics (formerly Invitae), Labcorp
Classification: Likely pathogenic. Last evaluated: 2025-08-31. Review status: criteria provided, single submitter. Criteria: Invitae Variant Classification Sherloc (09022015). Collection method: clinical testing. Allele origin: germline.
Comment: This sequence change affects an acceptor splice site in intron 1 of the CLCN7 gene. It is expected to disrupt RNA splicing. Variants that disrupt the donor or acceptor splice site typically lead to a loss of protein function (PMID: 16199547), and loss-of-function variants in CLCN7 are known to be pathogenic (PMID: 14584882, 19953639). This variant is not present in population databases (gnomAD no frequency). This variant has not been reported in the literature in individuals affected with CLCN7-related conditions. ClinVar contains an entry for this variant (Variation ID: 3625245). Algorithms developed to predict the effect of sequence changes on RNA splicing suggest that this variant may disrupt the consensus splice site. In summary, the currently available evidence indicates that the variant is pathogenic, but additional data are needed to prove that conclusively. Therefore, this variant has been classified as Likely Pathogenic.

Literature cited by the submitters: PubMed 16199547; PubMed 14584882; PubMed 19953639.